The following is an entry in ClinVar:

NM_001267550.2(TTN):c.8950G>T (p.Asp2984Tyr)

Gene: TTN (titin; minus strand). Cytogenetic location: 2q31.2.
Variant type: single nucleotide variant.
Coding change: c.8950G>T on transcript NM_001267550.2 (MANE Select); coding-DNA position 8950, G replaced by T.
Protein change: p.Asp2984Tyr; replaces aspartic acid 2984 with tyrosine.
Molecular consequence: missense variant.
Genome position (GRCh38, 1-based): chr2:178,768,886, C>A on the plus strand (G>T on the coding strand, the complement: TTN is on the minus strand). VCF-style: chr2-178768886-C-A. GRCh37 (hg19) VCF-style: chr2-179633613-C-A.
Other names: c.8950G>T, p.Asp2984Tyr (NM_001256850.1, NM_133378.4, NM_133379.5); c.8812G>T, p.Asp2938Tyr (NM_003319.4, NM_133432.3, NM_133437.4); short protein forms D2938Y, D2984Y.
Identifiers: ClinVar variation 1303505 (VCV001303505.4), dbSNP rs2090998347, ClinGen allele CA349676234.
Genomic context (GRCh38, chr2:178,768,886, plus strand): 5'-TCTTTAACCATTTGTAAGAGATGCCTTCATAGTTCACTGTCACCTCAAAAGTAATAGTGT[C>A]TTTTTCTTCAGCGTTGATGTCTTTCAGCATGGAAGTAATCATGATTGCTGCAAAGGAGAA-3'
Protein context (NP_001254479.2, residues 2974-2994): MLKDINAEEK[Asp2984Tyr]TITFEVTVNY

ClinVar aggregate classification (germline): Uncertain significance. Review status: criteria provided, multiple submitters, no conflicts (2 of 4 stars). 2 submissions from 2 submitters: Uncertain significance (2). Last evaluated 2020-03-17.

Conditions:
Cardiovascular phenotype. Identifiers: MedGen CN230736.

gnomAD v4.1: 6 of 1,613,984 alleles (0.00037%); highest among the groups gnomAD compares: Non-Finnish European, 0.00051%; no homozygotes.

Submissions (2):

Ambry Genetics
Classification: Uncertain significance for Cardiovascular phenotype. Last evaluated: 2020-03-17. Review status: criteria provided, single submitter. Criteria: Ambry Variant Classification Scheme 2023. Collection method: clinical testing. Allele origin: germline.
Comment: The p.D2938Y variant (also known as c.8812G>T), located in coding exon 36 of the TTN gene, results from a G to T substitution at nucleotide position 8812. The aspartic acid at codon 2938 is replaced by tyrosine, an amino acid with highly dissimilar properties. This amino acid position is highly conserved in available vertebrate species. In addition, the in silico prediction for this alteration is inconclusive. Since supporting evidence is limited at this time, the clinical significance of this alteration remains unclear.

GeneDx
Classification: Uncertain significance. Last evaluated: 2017-05-24. Review status: criteria provided, single submitter. Criteria: GeneDx Variant Classification Process June 2021. Collection method: clinical testing. Allele origin: germline. Affected: yes.